The following is an entry in ClinVar:

ClinVar aggregate classification (germline): Conflicting classifications of pathogenicity. Review status: criteria provided, conflicting classifications (1 of 4 stars). 5 submissions from 5 submitters: Uncertain significance (1); Likely benign (3). 1 of the submissions does not count toward it. Last evaluated 2025-11-18.

Conditions:
Wilson disease (WND). Also called: Wilson's disease. Identifiers: Orphanet 905, MedGen C0019202, MONDO:0010200, OMIM 277900. Disease mechanism: loss of function.

Allele frequency attached by ClinVar (database versions not stated): TOPMed 0.00001.

Submissions (5):

Labcorp Genetics (formerly Invitae), Labcorp
Classification: Likely benign for Wilson disease. Last evaluated: 2025-11-18. Review status: criteria provided, single submitter. Criteria: Invitae Variant Classification Sherloc (09022015). Collection method: clinical testing. Allele origin: germline.

All of Us Research Program, National Institutes of Health
Classification: Likely benign for Wilson disease. Last evaluated: 2023-12-01. Review status: criteria provided, single submitter. Criteria: ACMG Guidelines, 2015. Collection method: clinical testing. Allele origin: germline. Inheritance: Autosomal recessive inheritance. Observed: 6 variant alleles, 6 heterozygotes.
Comment: This study involves interpretation of variants in research participants for the purpose of population health screening. Participant phenotype was not available at the time of variant classification. Additional details can be found in publication PMID: 35346344, PMCID: PMC8962531

Genome-Nilou Lab
Classification: Likely benign for Wilson disease. Last evaluated: 2021-08-10. Review status: criteria provided, single submitter. Criteria: ACMG Guidelines, 2015. Collection method: clinical testing. Allele origin: germline. Affected: no.

CeGaT Center for Human Genetics Tuebingen
Classification: Uncertain significance. Last evaluated: 2017-05-01. Review status: criteria provided, single submitter. Criteria: CeGaT Center For Human Genetics Tuebingen Variant Classification Criteria Version 2. Collection method: clinical testing. Allele origin: germline. Affected: yes. Observed: 1 variant allele.

Natera, Inc.
Classification: Uncertain significance for Wilson disease. Last evaluated: 2020-08-07. Review status: no assertion criteria provided. Collection method: clinical testing. Allele origin: germline. Not counted in ClinVar's aggregate classification.

NM_000053.4(ATP7B):c.3624G>T (p.Thr1208=)

Gene: ATP7B (ATPase copper transporting beta; minus strand). Cytogenetic location: 13q14.3.
Variant type: single nucleotide variant.
Coding change: c.3624G>T on transcript NM_000053.4 (MANE Select); coding-DNA position 3624, G replaced by T.
Protein change: p.Thr1208=; no amino-acid change (threonine 1208 retained).
Molecular consequence: synonymous variant.
Genome position (GRCh38, 1-based): chr13:51,939,126, C>A on the plus strand (G>T on the coding strand, the complement: ATP7B is on the minus strand). VCF-style: chr13-51939126-C-A. GRCh37 (hg19) VCF-style: chr13-52513262-C-A.
Other names: c.3003G>T, p.Thr1001= (NM_001005918.3); c.3291G>T, p.Thr1097= (NM_001243182.2); c.3390G>T, p.Thr1130= (NM_001330578.2); c.3372G>T, p.Thr1124= (NM_001330579.2).
Identifiers: ClinVar variation 745331 (VCV000745331.55), dbSNP rs377267217, ClinGen allele CA6988620.
Genomic context (GRCh38, chr13:51,939,126, plus strand): 5'-TCTGGCTGTCTTCCGGTTGTCCCCCGTGATCAGAACCACGTCCACACCCATGCTCTGCAG[C>A]GTGTGCACAGCCAGGGCAGCCTCCTGCTTGACAGCGTCTGCGATTGCGATCATCCCACAG-3'
Protein context (NP_000044.2, residues 1198-1218): VKQEAALAVH[Thr1208=]LQSMGVDVVL